The following is an entry in ClinVar:

ClinVar aggregate classification (germline): Benign/Likely benign. Review status: criteria provided, multiple submitters, no conflicts (2 of 4 stars). 21 submissions from 20 submitters: Benign (8); Likely benign (12). 1 of the submissions does not count toward it. Last evaluated 2026-10-01.

Conditions:
TTN-related myopathy. Identifiers: MedGen CN294812, MONDO:0100175.
Hypertrophic cardiomyopathy. Also called: HYPERTROPHIC MYOCARDIOPATHY. Identifiers: Orphanet 217569, MedGen C0007194, MeSH D002312, MONDO:0005045, HP:0001639.
Brugada syndrome. Also called: Sudden Unexplained Death Syndrome; Sudden Unexplained Nocturnal Death Syndrome (SUNDS); Sudden unexpected nocturnal death syndrome; Sudden unexplained nocturnal death syndrome. Identifiers: Orphanet 130, MedGen C1142166, MONDO:0015263.
Atrial fibrillation. Identifiers: MedGen C0004238, MONDO:0004981, HP:0005110.
Congestive heart failure. Identifiers: MedGen C0018802, MONDO:0005009, HP:0001635.
TTN-related disorder. Also called: TTN-related disorders; TTN-related condition; TTN-related disease.
Cardiovascular phenotype. Identifiers: MedGen CN230736.
Autosomal recessive limb-girdle muscular dystrophy type 2J (LGMDR10). Also called: MUSCULAR DYSTROPHY, LIMB-GIRDLE, AUTOSOMAL RECESSIVE 10; Limb-girdle muscular dystrophy, type 2J. Identifiers: Orphanet 140922, MedGen C1837342, MONDO:0012127, OMIM 608807.
Dilated cardiomyopathy 1G (CMD1G). Identifiers: Orphanet 154, MedGen C1858763, MONDO:0011400, OMIM 604145.
Cardiomyopathy (CMYO). Also called: Cardiomyopathies. Identifiers: Orphanet 167848, MedGen C0878544, MONDO:0004994, HP:0001638. Inheritance: Various modes of inheritance.
Myopathy, myofibrillar, 9, with early respiratory failure (MFM9). Also called: Myopathy, distal, with early respiratory failure, autosomal dominant; Hereditary myopathy with early respiratory failure; EDSTROM MYOPATHY; MYOPATHY, PROXIMAL, WITH EARLY RESPIRATORY MUSCLE INVOLVEMENT. Identifiers: Orphanet 178464, Orphanet 34521, MedGen C1863599, MONDO:0011362, OMIM 603689.
Tibial muscular dystrophy (TMD). Also called: Tibial muscular dystrophy, tardive; Udd Distal Myopathy – Tibial Muscular Dystrophy; UDD MYOPATHY. Identifiers: Orphanet 609, MedGen C1838244, MONDO:0010870, OMIM 600334.
Tip-toe gait. Also called: Toe walking. Identifiers: MedGen C0427144, HP:0030051.

Allele frequency attached by ClinVar (database versions not stated): TOPMed 0.00344; gnomAD 0.00364 and 0.00372; gnomAD exomes 0.00534 and 0.00362; 1000 Genomes Project 0.00100; 1000 Genomes Project 30x 0.00109; ExAC 0.00340; ESP Exome Variant Server 0.00410.
gnomAD v4.1: 8,307 of 1,612,852 alleles (0.52%); highest among the groups gnomAD compares: Non-Finnish European, 0.61%; 29 homozygotes.

Submissions 1 to 15 of 21:

CeGaT Center for Human Genetics Tuebingen
Classification: Likely benign. Last evaluated: 2026-10-01. Review status: criteria provided, single submitter. Criteria: CeGaT Center For Human Genetics Tuebingen Variant Classification Criteria Version 2. Collection method: clinical testing. Allele origin: germline. Affected: yes. Observed: 68 variant alleles.
Comment: TTN: BS2

PreventionGenetics, part of Exact Sciences
Classification: Likely benign for TTN-related condition. Last evaluated: 2026-06-15. Review status: criteria provided, single submitter. Criteria: ACMG Guidelines, 2015. Collection method: clinical testing. Allele origin: germline.
Comment: This variant is classified as likely benign based on ACMG/AMP sequence variant interpretation guidelines (Richards et al. 2015 PMID: 25741868, with internal and published modifications).

Labcorp Genetics (formerly Invitae), Labcorp
Classification: Benign for Dilated cardiomyopathy 1G; Autosomal recessive limb-girdle muscular dystrophy type 2J. Last evaluated: 2026-02-03. Review status: criteria provided, single submitter. Criteria: Invitae Variant Classification Sherloc (09022015). Collection method: clinical testing. Allele origin: germline.

Molecular Diagnostic Laboratory for Inherited Cardiovascular Disease, Montreal Heart Institute
Classification: Likely benign. Last evaluated: 2025-04-09. Review status: criteria provided, single submitter. Criteria: ACMG Guidelines, 2015. Collection method: clinical testing. Allele origin: germline. Affected: no.

Blueprint Genetics
Classification: Likely benign. Last evaluated: 2024-11-26. Review status: criteria provided, single submitter. Criteria: ACMG Guidelines, 2015. Collection method: clinical testing. Allele origin: germline.

Mayo Clinic Laboratories, Mayo Clinic
Classification: Benign. Last evaluated: 2024-03-27. Review status: criteria provided, single submitter. Criteria: ACMG Guidelines, 2015. Collection method: clinical testing. Allele origin: germline. Observed: 19 variant alleles.
Comment: BS1, BS2, BP1

ARUP Laboratories, Molecular Genetics and Genomics, ARUP Laboratories
Classification: Likely benign. Last evaluated: 2023-09-27. Review status: criteria provided, single submitter. Criteria: ARUP Molecular Germline Variant Investigation Process 2024. Collection method: clinical testing. Allele origin: germline.

Molecular Genetics, Royal Melbourne Hospital
Classification: Likely benign for TTN-related myopathy. Last evaluated: 2023-05-04. Review status: criteria provided, single submitter. Criteria: ACMG Guidelines, 2015. Collection method: clinical testing. Allele origin: germline. Affected: no.
Comment: European Non-Finnish population allele frequency is 0.51% (rs55980498, 693/127344 alleles, 2 homozygotes in gnomAD v2.1). Based on the classification scheme RMH Modified ACMG/AMP Guidelines v1.6.1, this variant is classified as LIKELY BENIGN. Following criteria are met: BS1

Athena Diagnostics
Classification: Benign. Last evaluated: 2020-08-24. Review status: criteria provided, single submitter. Criteria: Athena Diagnostics criteria. Collection method: clinical testing. Allele origin: unknown.

Women's Health and Genetics/Laboratory Corporation of America, LabCorp
Classification: Benign. Last evaluated: 2019-10-30. Review status: criteria provided, single submitter. Criteria: LabCorp Variant Classification Summary - May 2015. Collection method: clinical testing. Allele origin: germline.
Comment: Variant summary: TTN c.61426C>T (p.Pro20476Ser) results in a non-conservative amino acid change located in the A-band region of the encoded protein sequence. Five of five in-silico tools predict a damaging effect of the variant on protein function. The variant allele was found at a frequency of 0.0036 in 247582 control chromosomes, predominantly at a frequency of 0.0055 within the Non-Finnish European subpopulation in the gnomAD database, including 3 homozygotes. The observed variant frequency within Non-Finnish European control individuals in the gnomAD database is approximately 9 fold of the estimated maximal expected allele frequency for a pathogenic variant in TTN causing Cardiomyopathy phenotype (0.00063), strongly suggesting that the variant is a benign polymorphism. c.61426C>T has been reported in the literature in association with multiple different Cardiomyopathy phenotypes including arrhythmogenic right ventricular cardiomyopathy, hypertrophic cardiomyopathy, sudden arrhythmic death syndrome, dilated cardiomyopathy, sudden unexplained death and long QT syndrome (e.g. Campuzano_2015, Hertz_2016, Lopes_2013, Nunn_2016). These reports do not provide unequivocal conclusions about association of the variant with Cardiomyopathy. To our knowledge, no experimental evidence demonstrating an impact on protein function has been reported. Ten ClinVar submitters (evaluation after 2014) cite the variant as benign/likely benign (n=8) and as uncertain significance (n=2). Based on the evidence outlined above, the variant was classified as benign.

CHEO Genetics Diagnostic Laboratory, Children's Hospital of Eastern Ontario
Classification: Benign for Cardiomyopathy. Last evaluated: 2019-10-29. Review status: criteria provided, single submitter. Criteria: ACMG Guidelines, 2015. Collection method: clinical testing. Allele origin: germline. Study: Canadian Open Genetics Repository.

Center for Advanced Laboratory Medicine, UC San Diego Health, University of California San Diego
Classification: Likely benign for Hypertrophic cardiomyopathy; Atrial fibrillation; Congestive heart failure; Brugada syndrome. Last evaluated: 2019-05-09. Review status: criteria provided, single submitter. Criteria: ACMG Guidelines, 2015. Collection method: clinical testing. Allele origin: germline. Affected: yes. Observed: 8 variant alleles.

Illumina Laboratory Services, Illumina
Classification: Benign for Tibial muscular dystrophy. Last evaluated: 2018-01-12. Review status: criteria provided, single submitter. Criteria: ICSL Variant Classification Criteria 13 December 2019. Collection method: clinical testing. Allele origin: germline.
Comment: This variant was observed in the ICSL laboratory as part of a predisposition screen in an ostensibly healthy population. It had not been previously curated by ICSL or reported in the Human Gene Mutation Database (HGMD: prior to June 1st, 2018), and was therefore a candidate for classification through an automated scoring system. Utilizing variant allele frequency, disease prevalence and penetrance estimates, and inheritance mode, an automated score was calculated to assess if this variant is too frequent to cause the disease. Based on the score and internal cut-off values, a variant classified as benign is not then subjected to further curation. The score for this variant resulted in a classification of benign for this disease.

Illumina Laboratory Services, Illumina
Classification: Benign for Myopathy, myofibrillar, 9, with early respiratory failure. Last evaluated: 2018-01-12. Review status: criteria provided, single submitter. Criteria: ICSL Variant Classification Criteria 13 December 2019. Collection method: clinical testing. Allele origin: germline.
Comment: the same text as in the submission from Illumina Laboratory Services, Illumina above.

GeneDx
Classification: Benign. Last evaluated: 2017-06-28. Review status: criteria provided, single submitter. Criteria: GeneDx Variant Classification (06012015). Collection method: clinical testing. Allele origin: germline. Affected: yes.
Comment: This variant is considered likely benign or benign based on one or more of the following criteria: it is a conservative change, it occurs at a poorly conserved position in the protein, it is predicted to be benign by multiple in silico algorithms, and/or has population frequency not consistent with disease.

NM_001267550.2(TTN):c.69130C>T (p.Pro23044Ser)

Genes: TTN (titin; minus strand), TTN-AS1 (TTN antisense RNA 1; plus strand). Cytogenetic location: 2q31.2.
Variant type: single nucleotide variant.
Coding change: c.69130C>T on transcript NM_001267550.2 (MANE Select); coding-DNA position 69130, C replaced by T.
Protein change: p.Pro23044Ser; replaces proline 23044 with serine.
Molecular consequence: missense variant.
Genome position (GRCh38, 1-based): chr2:178,577,205, G>A on the plus strand (C>T on the coding strand, the complement: TTN is on the minus strand). VCF-style: chr2-178577205-G-A. GRCh37 (hg19) VCF-style: chr2-179441932-G-A.
Other names: p.P20476S:CCA>TCA; c.64207C>T, p.Pro21403Ser (NM_001256850.1); c.61426C>T, p.Pro20476Ser (NM_133378.4); c.41935C>T, p.Pro13979Ser (NM_003319.4); c.42310C>T, p.Pro14104Ser (NM_133432.3); c.42511C>T, p.Pro14171Ser (NM_133437.4); short protein forms P23044S, P20476S, P21403S, P13979S, P14171S, P14104S.
Identifiers: ClinVar variation 47265 (VCV000047265.88), dbSNP rs55980498, ClinGen allele CA140506.
Genomic context (GRCh38, chr2:178,577,205, plus strand): 5'-GAGGTGTCCATGTAAGTGTTGCTTTTTCAGCAGAAACATTACTGATTTCAACAGGACCTG[G>A]GGGACCAGGTACATCAAGGACTGTTACCTTCACATGTTCCACCTTCGTGCCAAAAGGATT-3'
Protein context (NP_001254479.2, residues 23034-23054): KVTVLDVPGP[Pro23044Ser]GPVEISNVSA